The following is an entry in ClinVar:

ClinVar aggregate classification (germline): Uncertain significance (1 of 4 stars; one submission).

Conditions:
Luscan-Lumish syndrome. Identifiers: Orphanet 597738, MedGen C4085873, MONDO:0014791, OMIM 616831.

gnomAD v4.1: 26 of 1,613,912 alleles (0.0016%); highest among the groups gnomAD compares: Non-Finnish European, 0.0022%; no homozygotes.

Submission:

Labcorp Genetics (formerly Invitae), Labcorp
Classification: Uncertain significance for Luscan-Lumish syndrome. Last evaluated: 2025-12-15. Review status: criteria provided, single submitter. Criteria: Invitae Variant Classification Sherloc (09022015). Collection method: clinical testing. Allele origin: germline.
Comment: This sequence change replaces threonine, which is neutral and polar, with serine, which is neutral and polar, at codon 1128 of the SETD2 protein (p.Thr1128Ser). This variant is present in population databases (rs771624180, gnomAD 0.004%). This variant has not been reported in the literature in individuals affected with SETD2-related conditions. Invitae Evidence Modeling of protein sequence and biophysical properties (such as structural, functional, and spatial information, amino acid conservation, physicochemical variation, residue mobility, and thermodynamic stability) indicates that this missense variant is not expected to disrupt SETD2 protein function with a negative predictive value of 80%. In summary, the available evidence is currently insufficient to determine the role of this variant in disease. Therefore, it has been classified as a Variant of Uncertain Significance.

NM_014159.7(SETD2):c.3383C>G (p.Thr1128Ser)

Gene: SETD2 (SET domain containing 2, histone lysine methyltransferase; minus strand). Cytogenetic location: 3p21.31.
Variant type: single nucleotide variant.
Coding change: c.3383C>G on transcript NM_014159.7 (MANE Select); coding-DNA position 3383, C replaced by G.
Protein change: p.Thr1128Ser; replaces threonine 1128 with serine.
Molecular consequence: missense variant. On other transcripts: non-coding transcript variant (1).
Genome position (GRCh38, 1-based): chr3:47,121,253, G>C on the plus strand (C>G on the coding strand, the complement: SETD2 is on the minus strand). VCF-style: chr3-47121253-G-C. GRCh37 (hg19) VCF-style: chr3-47162743-G-C.
Other names: c.3251C>G, p.Thr1084Ser (NM_001349370.3); short protein forms T1084S, T1128S.
Identifiers: ClinVar variation 4753085 (VCV004753085.1).